The following is an entry in ClinVar:

NM_006030.4(CACNA2D2):c.1570G>C (p.Val524Leu)

Gene: CACNA2D2 (calcium voltage-gated channel auxiliary subunit alpha2delta 2; minus strand). Cytogenetic location: 3p21.31.
Variant type: single nucleotide variant.
Coding change: c.1570G>C on transcript NM_006030.4 (MANE Select); coding-DNA position 1570, G replaced by C.
Protein change: p.Val524Leu; replaces valine 524 with leucine.
Molecular consequence: missense variant.
Genome position (GRCh38, 1-based): chr3:50,377,523, C>G on the plus strand (G>C on the coding strand, the complement: CACNA2D2 is on the minus strand). VCF-style: chr3-50377523-C-G. GRCh37 (hg19) VCF-style: chr3-50414954-C-G.
Other names: c.1570G>C, p.Val524Leu (NM_001005505.3, NM_001174051.3, NM_001410768.1); c.1363G>C, p.Val455Leu (NM_001291101.1); short protein forms V455L, V524L.
Identifiers: ClinVar variation 1995267 (VCV001995267.4), dbSNP rs758052476, ClinGen allele CA352927670.

ClinVar aggregate classification (germline): Uncertain significance (1 of 4 stars; one submission).

Conditions:
Early-infantile DEE. Also called: Ohtahara syndrome; Early infantile epileptic encephalopathy; Early infantile epileptic encephalopathy with suppression bursts. Identifiers: Orphanet 1934, MedGen C0393706, MONDO:0800491.

Submission:

Labcorp Genetics (formerly Invitae), Labcorp
Classification: Uncertain significance for Early-infantile DEE. Last evaluated: 2022-05-17. Review status: criteria provided, single submitter. Criteria: Invitae Variant Classification Sherloc (09022015). Collection method: clinical testing. Allele origin: germline.
Comment: This sequence change replaces valine, which is neutral and non-polar, with leucine, which is neutral and non-polar, at codon 524 of the CACNA2D2 protein (p.Val524Leu). This variant is not present in population databases (gnomAD no frequency). This variant has not been reported in the literature in individuals affected with CACNA2D2-related conditions. Algorithms developed to predict the effect of missense changes on protein structure and function are either unavailable or do not agree on the potential impact of this missense change (SIFT: "Deleterious"; PolyPhen-2: "Probably Damaging"; Align-GVGD: "Class C0"). In summary, the available evidence is currently insufficient to determine the role of this variant in disease. Therefore, it has been classified as a Variant of Uncertain Significance.